The following is an entry in ClinVar:

NM_002156.5(HSPD1):c.1687G>A (p.Gly563Arg)

Gene: HSPD1 (heat shock protein family D (Hsp60) member 1; minus strand). Cytogenetic location: 2q33.1.
Variant type: single nucleotide variant.
Coding change: c.1687G>A on transcript NM_002156.5 (MANE Select); coding-DNA position 1687, G replaced by A.
Protein change: p.Gly563Arg; replaces glycine 563 with arginine.
Molecular consequence: missense variant.
Genome position (GRCh38, 1-based): chr2:197,487,081, C>T on the plus strand (G>A on the coding strand, the complement: HSPD1 is on the minus strand). VCF-style: chr2-197487081-C-T. GRCh37 (hg19) VCF-style: chr2-198351805-C-T.
Other names: c.1687G>A, p.Gly563Arg (NM_199440.2); short protein forms G563R.
Identifiers: ClinVar variation 4696180 (VCV004696180.1).

ClinVar aggregate classification (germline): Uncertain significance (1 of 4 stars; one submission).

Conditions:
Spastic paraplegia. Identifiers: MedGen C0037772, HP:0001258.

gnomAD v4.1: 2 of 1,519,998 alleles (0.00013%); highest among the groups gnomAD compares: Non-Finnish European, 0.00018%; no homozygotes.

Submission:

Labcorp Genetics (formerly Invitae), Labcorp
Classification: Uncertain significance for Spastic paraplegia. Last evaluated: 2025-03-14. Review status: criteria provided, single submitter. Criteria: Invitae Variant Classification Sherloc (09022015). Collection method: clinical testing. Allele origin: germline.
Comment: This sequence change replaces glycine, which is neutral and non-polar, with arginine, which is basic and polar, at codon 563 of the HSPD1 protein (p.Gly563Arg). This variant is not present in population databases (gnomAD no frequency). This variant has not been reported in the literature in individuals affected with HSPD1-related conditions. Invitae Evidence Modeling of protein sequence and biophysical properties (such as structural, functional, and spatial information, amino acid conservation, physicochemical variation, residue mobility, and thermodynamic stability) indicates that this missense variant is expected to disrupt HSPD1 protein function with a positive predictive value of 80%. Algorithms developed to predict the effect of sequence changes on RNA splicing suggest that this variant may create or strengthen a splice site. In summary, the available evidence is currently insufficient to determine the role of this variant in disease. Therefore, it has been classified as a Variant of Uncertain Significance.